The following is an entry in ClinVar:

NM_002303.6(LEPR):c.2674-5810C>T

Gene: LEPR (leptin receptor; plus strand). Cytogenetic location: 1p31.3.
Variant type: single nucleotide variant.
Coding change: c.2674-5810C>T on transcript NM_002303.6 (MANE Select); 5810 bases into the intron before coding-DNA position 2674, C replaced by T.
Molecular consequence: intron variant. On other transcripts: synonymous variant (2).
Genome position (GRCh38, 1-based): chr1:65,630,381, C>T. VCF-style: chr1-65630381-C-T. GRCh37 (hg19) VCF-style: chr1-66096064-C-T.
Other names: c.2853C>T, p.Pro951= (NM_001003680.3, NM_001198687.2); c.2674-2771C>T (NM_001003679.3, NM_001198689.2).
Identifiers: ClinVar variation 3350772 (VCV003350772.1).
Genomic context (GRCh38, chr1:65,630,381, plus strand): 5'-TTCACTTGTTTATCTGCTGACCCTCCCTCCACTATTGTCCTATGACCCTGCCAAATCCCC[C>T]TCTGTGAGAAACACCCAAGAATGATCAATAAAAAAAAAAAAGAAAGAAAAAAAAATTCTC-3'

ClinVar aggregate classification (germline): Likely benign (0 of 4 stars; one submission).

Conditions:
LEPR-related disorder. Also called: LEPR-related condition; LEPR-related disorders.

Submission:

PreventionGenetics, part of Exact Sciences
Classification: Likely benign for LEPR-related condition. Last evaluated: 2020-09-21. Review status: no assertion criteria provided. Collection method: clinical testing. Allele origin: germline.
Comment: This variant is classified as likely benign based on ACMG/AMP sequence variant interpretation guidelines (Richards et al. 2015 PMID: 25741868, with internal and published modifications).